The following is an entry in ClinVar:

ClinVar aggregate classification (germline): Uncertain significance (1 of 4 stars; one submission).

Conditions:
Familial meningioma. Also called: Meningioma, familial, susceptibility to. Identifiers: Orphanet 263662, MedGen C3551915, MONDO:0011789, OMIM 607174.

Submission:

Labcorp Genetics (formerly Invitae), Labcorp
Classification: Uncertain significance for Familial meningioma. Last evaluated: 2023-10-20. Review status: criteria provided, single submitter. Criteria: Invitae Variant Classification Sherloc (09022015). Collection method: clinical testing. Allele origin: germline.
Comment: This sequence change replaces proline, which is neutral and non-polar, with alanine, which is neutral and non-polar, at codon 45 of the SMARCE1 protein (p.Pro45Ala). This variant is not present in population databases (gnomAD no frequency). This variant has not been reported in the literature in individuals affected with SMARCE1-related conditions. An algorithm developed to predict the effect of missense changes on protein structure and function (PolyPhen-2) suggests that this variant is likely to be tolerated. In summary, the available evidence is currently insufficient to determine the role of this variant in disease. Therefore, it has been classified as a Variant of Uncertain Significance.

NM_003079.5(SMARCE1):c.133C>G (p.Pro45Ala)

Gene: SMARCE1 (SWI/SNF related BAF chromatin remodeling complex subunit E1; minus strand). Cytogenetic location: 17q21.2.
Variant type: single nucleotide variant.
Coding change: c.133C>G on transcript NM_003079.5 (MANE Select); coding-DNA position 133, C replaced by G.
Protein change: p.Pro45Ala; replaces proline 45 with alanine.
Molecular consequence: missense variant.
Genome position (GRCh38, 1-based): chr17:40,642,478, G>C on the plus strand (C>G on the coding strand, the complement: SMARCE1 is on the minus strand). VCF-style: chr17-40642478-G-C. GRCh37 (hg19) VCF-style: chr17-38798730-G-C.
Other names: short protein forms P45A.
Identifiers: ClinVar variation 2770217 (VCV002770217.3), dbSNP rs1597749741, ClinGen allele CA399369632.